The following is an entry in ClinVar:

NM_001105206.3(LAMA4):c.3139G>T (p.Ala1047Ser)

Gene: LAMA4 (laminin subunit alpha 4; minus strand). Cytogenetic location: 6q21.
Variant type: single nucleotide variant.
Coding change: c.3139G>T on transcript NM_001105206.3 (MANE Select); coding-DNA position 3139, G replaced by T.
Protein change: p.Ala1047Ser; replaces alanine 1047 with serine.
Molecular consequence: missense variant.
Genome position (GRCh38, 1-based): chr6:112,139,263, C>A on the plus strand (G>T on the coding strand, the complement: LAMA4 is on the minus strand). VCF-style: chr6-112139263-C-A. GRCh37 (hg19) VCF-style: chr6-112460465-C-A.
Other names: c.3118G>T, p.Ala1040Ser (NM_001105207.3, NM_002290.5); short protein forms A1040S, A1047S.
Identifiers: ClinVar variation 2054905 (VCV002054905.4), dbSNP rs782421597, ClinGen allele CA365379109.
Genomic context (GRCh38, chr6:112,139,263, plus strand): 5'-CTCTCCTTGTGATGTCTCTCACCACGGCATAACCGGAGCCATCGAAGAAGTAACTGGCAG[C>A]CCGACTCTGAGTGAAGGCCAGCTTATCTCTGAAATGGAAACACAACGGTCATTTGAACAC-3'
Protein context (NP_001098676.2, residues 1037-1057): RDKLAFTQSR[Ala1047Ser]ASYFFDGSGY

ClinVar aggregate classification (germline): Uncertain significance (1 of 4 stars; one submission).

Conditions:
Dilated cardiomyopathy 1JJ (CMD1JJ). Identifiers: Orphanet 154, MedGen C3808935, MONDO:0014095, OMIM 615235.

Submission:

Labcorp Genetics (formerly Invitae), Labcorp
Classification: Uncertain significance for Dilated cardiomyopathy 1JJ. Last evaluated: 2021-12-23. Review status: criteria provided, single submitter. Criteria: Invitae Variant Classification Sherloc (09022015). Collection method: clinical testing. Allele origin: germline.
Comment: Algorithms developed to predict the effect of sequence changes on RNA splicing suggest that this variant may create or strengthen a splice site. This sequence change replaces alanine, which is neutral and non-polar, with serine, which is neutral and polar, at codon 1040 of the LAMA4 protein (p.Ala1040Ser). This variant is not present in population databases (gnomAD no frequency). This variant has not been reported in the literature in individuals affected with LAMA4-related conditions. Algorithms developed to predict the effect of missense changes on protein structure and function are either unavailable or do not agree on the potential impact of this missense change (SIFT: "Tolerated"; PolyPhen-2: "Probably Damaging"; Align-GVGD: "Class C15"). In summary, the available evidence is currently insufficient to determine the role of this variant in disease. Therefore, it has been classified as a Variant of Uncertain Significance.